The following is an entry in ClinVar:

ClinVar aggregate classification (germline): Pathogenic (1 of 4 stars; one submission).

Conditions:
Phelan-McDermid syndrome. Also called: TELOMERIC 22q13 MONOSOMY SYNDROME; 22q13.3 deletion syndrome; Phelan-McDermid Syndrome-SHANK3 Related. Identifiers: Orphanet 48652, MedGen C1853490, MONDO:0011652, OMIM 606232.

Submission:

Greenwood Genetic Center Diagnostic Laboratories, Greenwood Genetic Center
Classification: Pathogenic for Phelan-McDermid syndrome. Last evaluated: 2026-08-24. Review status: criteria provided, single submitter. Criteria: ACMG Guidelines, 2015. Collection method: clinical testing. Allele origin: germline. Affected: yes.
Comment: PS2, PM2, PP3_Strong

NM_001372044.2(SHANK3):c.2086+1G>T

Genes: SHANK3 (SH3 and multiple ankyrin repeat domains 3; plus strand), LOC126863188 (CDK7 strongly-dependent group 2 enhancer GRCh37_chr22:51142004-51143203; plus strand). Cytogenetic location: 22q13.33.
Variant type: single nucleotide variant.
Coding change: c.2086+1G>T on transcript NM_001372044.2 (MANE Select); the canonical splice donor site of the intron after coding-DNA position 2086, G replaced by T.
Molecular consequence: splice donor variant.
Genome position (GRCh38, 1-based): chr22:50,704,863, G>T. VCF-style: chr22-50704863-G-T. GRCh37 (hg19) VCF-style: chr22-51143291-G-T.
Identifiers: ClinVar variation 4974950 (VCV004974950.1).
Genomic context (GRCh38, chr22:50,704,863, plus strand): 5'-GTGGACGTGGAGGGTGTGGCCTGGAGGGCCGGGCTGCGCACGGGAGACTTCCTCATCGAG[G>T]TGAGGTCGTTCTGGCCGGTGCTGCCCAGTGGGATGCTGAGCCCTGAGCCCTGTGGTGGAC-3'